The following is an entry in ClinVar:

NM_145290.4(ADGRA3):c.545+6_545+9del

Gene: ADGRA3 (adhesion G protein-coupled receptor A3; minus strand). Cytogenetic location: 4p15.2.
Variant type: Microsatellite.
Coding change: c.545+6_545+9del on transcript NM_145290.4 (MANE Select); bases 6 to 9 of the intron after coding-DNA position 545, 4 bases deleted (TAAG; older notation c.545+6_545+9delTAAG).
Molecular consequence: splice donor variant.
Genome position (GRCh38, 1-based): chr4:22,447,431-22,447,434, CTTA deleted on the plus strand (TAAG on the coding strand, the reverse complement: ADGRA3 is on the minus strand); deleting any 4 consecutive bases within chr4:22,447,431-22,447,439 gives the same sequence; the c. name uses the placement nearest the transcript's 3' end. VCF-style (leftmost placement, unchanged base first): chr4-22447430-TCTTA-T. GRCh37 (hg19) VCF-style: chr4-22449053-TCTTA-T.
Identifiers: ClinVar variation 1053121 (VCV001053121.8), dbSNP rs1221555650, ClinGen allele CA550272901.

ClinVar aggregate classification (germline): Uncertain significance (1 of 4 stars; one submission).

Submission:

Labcorp Genetics (formerly Invitae), Labcorp
Classification: Uncertain significance. Last evaluated: 2025-05-27. Review status: criteria provided, single submitter. Criteria: Invitae Variant Classification Sherloc (09022015). Collection method: clinical testing. Allele origin: germline.
Comment: This sequence change falls in intron 5 of the ADGRA3 gene. It does not directly change the encoded amino acid sequence of the ADGRA3 protein. It affects a nucleotide within the consensus splice site. This variant is present in population databases (no rsID available, gnomAD 0.005%). This variant has not been reported in the literature in individuals affected with ADGRA3-related conditions. Variants that disrupt the consensus splice site are a relatively common cause of aberrant splicing (PMID: 17576681, 9536098). Algorithms developed to predict the effect of sequence changes on RNA splicing suggest that this variant may disrupt the consensus splice site. In summary, the available evidence is currently insufficient to determine the role of this variant in disease. Therefore, it has been classified as a Variant of Uncertain Significance.

Literature cited by the submitters: PubMed 17576681; PubMed 9536098.